The following is an entry in ClinVar:

NM_000081.4(LYST):c.1129A>G (p.Arg377Gly)

Gene: LYST (lysosomal trafficking regulator; minus strand). Cytogenetic location: 1q42.3.
Variant type: single nucleotide variant.
Coding change: c.1129A>G on transcript NM_000081.4 (MANE Select); coding-DNA position 1129, A replaced by G.
Protein change: p.Arg377Gly; replaces arginine 377 with glycine.
Molecular consequence: missense variant.
Genome position (GRCh38, 1-based): chr1:235,809,689, T>C on the plus strand (A>G on the coding strand, the complement: LYST is on the minus strand). VCF-style: chr1-235809689-T-C. GRCh37 (hg19) VCF-style: chr1-235972989-T-C.
Other names: p.Arg377Gly; c.1129A>G, p.Arg377Gly (NM_001301365.1); short protein forms R377G.
Identifiers: ClinVar variation 4542461 (VCV004542461.2).

ClinVar aggregate classification (germline): Uncertain significance. Review status: criteria provided, multiple submitters, no conflicts (2 of 4 stars). 2 submissions from 2 submitters: Uncertain significance (2). Last evaluated 2025-04-11.

Conditions:
LYST-related disorder. Also called: LYST-related condition.

gnomAD v4.1: 1 of 1,613,770 alleles (0.000062%); highest among the groups gnomAD compares: South Asian, 0.0011%; no homozygotes.

Submissions (2):

PreventionGenetics, part of Exact Sciences
Classification: Uncertain significance for LYST-related condition. Last evaluated: 2025-04-11. Review status: criteria provided, single submitter. Criteria: ACMG Guidelines, 2015. Collection method: clinical testing. Allele origin: germline.
Comment: The LYST c.1129A>G variant is predicted to result in the amino acid substitution p.Arg377Gly. To our knowledge, this variant has not been reported in the literature or in a large population database (gnomAD), indicating this variant is rare. At this time, the clinical significance of this variant is uncertain due to the absence of conclusive functional and genetic evidence.

Mayo Clinic Laboratories, Mayo Clinic
Classification: Uncertain significance. Last evaluated: 2024-10-07. Review status: criteria provided, single submitter. Criteria: ACMG Guidelines, 2015. Collection method: clinical testing. Allele origin: germline. Observed: 1 variant allele.
Comment: BP4, PM1_supporting, PM2_supporting